The following is an entry in ClinVar:

NM_001853.4(COL9A3):c.1735C>T (p.Pro579Ser)

Gene: COL9A3 (collagen type IX alpha 3 chain; plus strand). Cytogenetic location: 20q13.33.
Variant type: single nucleotide variant.
Coding change: c.1735C>T on transcript NM_001853.4 (MANE Select); coding-DNA position 1735, C replaced by T.
Protein change: p.Pro579Ser; replaces proline 579 with serine.
Molecular consequence: missense variant.
Genome position (GRCh38, 1-based): chr20:62,837,214, C>T. VCF-style: chr20-62837214-C-T. GRCh37 (hg19) VCF-style: chr20-61468566-C-T.
Other names: short protein forms P579S.
Identifiers: ClinVar variation 2178812 (VCV002178812.4), dbSNP rs758064613, ClinGen allele CA9950172.

ClinVar aggregate classification (germline): Uncertain significance (1 of 4 stars; one submission).

gnomAD v4.1: 9 of 1,612,208 alleles (0.00056%); highest among the groups gnomAD compares: Admixed American, 0.0067%; no homozygotes.

Submission:

Labcorp Genetics (formerly Invitae), Labcorp
Classification: Uncertain significance. Last evaluated: 2025-07-21. Review status: criteria provided, single submitter. Criteria: Invitae Variant Classification Sherloc (09022015). Collection method: clinical testing. Allele origin: germline.
Comment: This sequence change replaces proline, which is neutral and non-polar, with serine, which is neutral and polar, at codon 579 of the COL9A3 protein (p.Pro579Ser). This variant is present in population databases (rs758064613, gnomAD 0.01%). This variant has not been reported in the literature in individuals affected with COL9A3-related conditions. ClinVar contains an entry for this variant (Variation ID: 2178812). Invitae Evidence Modeling of protein sequence and biophysical properties (such as structural, functional, and spatial information, amino acid conservation, physicochemical variation, residue mobility, and thermodynamic stability) indicates that this missense variant is not expected to disrupt COL9A3 protein function with a negative predictive value of 95%. In summary, the available evidence is currently insufficient to determine the role of this variant in disease. Therefore, it has been classified as a Variant of Uncertain Significance.